The following is an entry in ClinVar:

ClinVar aggregate classification (germline): Uncertain significance (1 of 4 stars; one submission).

Allele frequency attached by ClinVar (database versions not stated): gnomAD exomes below 0.00001; TOPMed below 0.00001; ExAC 0.00001.
gnomAD v4.1: 2 of 1,614,222 alleles (0.00012%); highest among the groups gnomAD compares: Non-Finnish European, 0.00017%; no homozygotes.

Submission:

Labcorp Genetics (formerly Invitae), Labcorp
Classification: Uncertain significance. Last evaluated: 2024-02-24. Review status: criteria provided, single submitter. Criteria: Invitae Variant Classification Sherloc (09022015). Collection method: clinical testing. Allele origin: germline.
Comment: This sequence change replaces glutamine, which is neutral and polar, with histidine, which is basic and polar, at codon 3738 of the LRP2 protein (p.Gln3738His). This variant is present in population databases (rs766998847, gnomAD 0.0009%). This variant has not been reported in the literature in individuals affected with LRP2-related conditions. ClinVar contains an entry for this variant (Variation ID: 1370645). Advanced modeling of protein sequence and biophysical properties (such as structural, functional, and spatial information, amino acid conservation, physicochemical variation, residue mobility, and thermodynamic stability) performed at Invitae indicates that this missense variant is not expected to disrupt LRP2 protein function with a negative predictive value of 95%. In summary, the available evidence is currently insufficient to determine the role of this variant in disease. Therefore, it has been classified as a Variant of Uncertain Significance.

NM_004525.3(LRP2):c.11214G>C (p.Gln3738His)

Gene: LRP2 (LDL receptor related protein 2; minus strand). Cytogenetic location: 2q31.1.
Variant type: single nucleotide variant.
Coding change: c.11214G>C on transcript NM_004525.3 (MANE Select); coding-DNA position 11214, G replaced by C.
Protein change: p.Gln3738His; replaces glutamine 3738 with histidine.
Molecular consequence: missense variant.
Genome position (GRCh38, 1-based): chr2:169,172,064, C>G on the plus strand (G>C on the coding strand, the complement: LRP2 is on the minus strand). VCF-style: chr2-169172064-C-G. GRCh37 (hg19) VCF-style: chr2-170028574-C-G.
Other names: short protein forms Q3738H.
Identifiers: ClinVar variation 1370645 (VCV001370645.6), dbSNP rs766998847, ClinGen allele CA1953147.